The following is an entry in ClinVar:

ClinVar aggregate classification (germline): Uncertain significance (1 of 4 stars; one submission).

Conditions:
LAMA2-related muscular dystrophy (LAMA2-RD). Also called: Laminin alpha 2-related dystrophy. Identifiers: MedGen C5679788, MONDO:0100228.

Submission:

Labcorp Genetics (formerly Invitae), Labcorp
Classification: Uncertain significance for LAMA2-related muscular dystrophy. Last evaluated: 2022-06-20. Review status: criteria provided, single submitter. Criteria: Invitae Variant Classification Sherloc (09022015). Collection method: clinical testing. Allele origin: germline.
Comment: Algorithms developed to predict the effect of missense changes on protein structure and function are either unavailable or do not agree on the potential impact of this missense change (SIFT: "Deleterious"; PolyPhen-2: "Probably Damaging"; Align-GVGD: "Class C0"). This sequence change replaces arginine, which is basic and polar, with proline, which is neutral and non-polar, at codon 3085 of the LAMA2 protein (p.Arg3085Pro). This variant is not present in population databases (gnomAD no frequency). This variant has not been reported in the literature in individuals affected with LAMA2-related conditions. ClinVar contains an entry for this variant (Variation ID: 477528). Algorithms developed to predict the effect of sequence changes on RNA splicing suggest that this variant may create or strengthen a splice site. In summary, the available evidence is currently insufficient to determine the role of this variant in disease. Therefore, it has been classified as a Variant of Uncertain Significance.

NM_000426.4(LAMA2):c.9254G>C (p.Arg3085Pro)

Gene: LAMA2 (laminin subunit alpha 2; plus strand). Cytogenetic location: 6q22.33.
Variant type: single nucleotide variant.
Coding change: c.9254G>C on transcript NM_000426.4 (MANE Select); coding-DNA position 9254, G replaced by C.
Protein change: p.Arg3085Pro; replaces arginine 3085 with proline.
Molecular consequence: missense variant.
Genome position (GRCh38, 1-based): chr6:129,516,232, G>C. VCF-style: chr6-129516232-G-C. GRCh37 (hg19) VCF-style: chr6-129837377-G-C.
Other names: c.9242G>C, p.Arg3081Pro (NM_001079823.2); short protein forms R3085P, R3081P.
Identifiers: ClinVar variation 477528 (VCV000477528.9), dbSNP rs776606476, ClinGen allele CA365637268.